The following is an entry in ClinVar:

NM_000032.5(ALAS2):c.1211G>A (p.Arg404His)

Gene: ALAS2 (5'-aminolevulinate synthase 2; minus strand). Cytogenetic location: Xp11.21.
Variant type: single nucleotide variant.
Coding change: c.1211G>A on transcript NM_000032.5 (MANE Select); coding-DNA position 1211, G replaced by A.
Protein change: p.Arg404His; replaces arginine 404 with histidine.
Molecular consequence: missense variant.
Genome position (GRCh38, 1-based): chrX:55,014,973, C>T on the plus strand (G>A on the coding strand, the complement: ALAS2 is on the minus strand). VCF-style: chrX-55014973-C-T. GRCh37 (hg19) VCF-style: chrX-55041406-C-T.
Other names: c.1100G>A, p.Arg367His (NM_001037967.4); c.1172G>A, p.Arg391His (NM_001037968.4); c.1211G>A (NM_000032.4); short protein forms R367H, R391H, R404H.
Identifiers: ClinVar variation 2660690 (VCV002660690.26), dbSNP rs1241455019, ClinGen allele CA413293108.

ClinVar aggregate classification (germline): Conflicting classifications of pathogenicity. Review status: criteria provided, conflicting classifications (1 of 4 stars). 3 submissions from 3 submitters: Uncertain significance (2); Benign (1). Last evaluated 2025-10-14.

Conditions:
Inborn genetic diseases. Identifiers: MedGen C0950123, MeSH D030342.

Allele frequency attached by ClinVar (database versions not stated): gnomAD exomes 0.00004.
gnomAD v4.1: 48 of 1,210,306 alleles (0.004%); highest among the groups gnomAD compares: Non-Finnish European, 0.0049%; no homozygotes.

Submissions (3):

Labcorp Genetics (formerly Invitae), Labcorp
Classification: Uncertain significance. Last evaluated: 2025-10-14. Review status: criteria provided, single submitter. Criteria: Invitae Variant Classification Sherloc (09022015). Collection method: clinical testing. Allele origin: germline.
Comment: This sequence change replaces arginine, which is basic and polar, with histidine, which is basic and polar, at codon 404 of the ALAS2 protein (p.Arg404His). The frequency data for this variant in the population databases is considered unreliable, as metrics indicate poor data quality at this position in the gnomAD database. This variant has not been reported in the literature in individuals affected with ALAS2-related conditions. ClinVar contains an entry for this variant (Variation ID: 2660690). Invitae Evidence Modeling of protein sequence and biophysical properties (such as structural, functional, and spatial information, amino acid conservation, physicochemical variation, residue mobility, and thermodynamic stability) indicates that this missense variant is not expected to disrupt ALAS2 protein function with a negative predictive value of 95%. In summary, the available evidence is currently insufficient to determine the role of this variant in disease. Therefore, it has been classified as a Variant of Uncertain Significance.

Ambry Genetics
Classification: Uncertain significance for Inborn genetic diseases. Last evaluated: 2025-09-05. Review status: criteria provided, single submitter. Criteria: Ambry Variant Classification Scheme 2023. Collection method: clinical testing. Allele origin: germline.

CeGaT Center for Human Genetics Tuebingen
Classification: Benign. Last evaluated: 2024-02-01. Review status: criteria provided, single submitter. Criteria: CeGaT Center For Human Genetics Tuebingen Variant Classification Criteria Version 2. Collection method: clinical testing. Allele origin: germline. Affected: yes. Observed: 2 variant alleles.
Comment: ALAS2: BS1, BS2